The following is an entry in ClinVar:

ClinVar aggregate classification (germline): Benign/Likely benign. Review status: criteria provided, multiple submitters, no conflicts (2 of 4 stars). 4 submissions from 4 submitters: Benign (1); Likely benign (3). Last evaluated 2026-01-26.

Allele frequency attached by ClinVar (database versions not stated): gnomAD exomes 0.00014 and 0.00059; gnomAD 0.00024 and 0.00027; TOPMed 0.00035; ExAC 0.00051; 1000 Genomes Project 30x 0.00109; 1000 Genomes Project 0.00120.
gnomAD v4.1: 284 of 1,611,684 alleles (0.018%); highest among the groups gnomAD compares: East Asian, 0.5%; 4 homozygotes.

Submissions (4):

Labcorp Genetics (formerly Invitae), Labcorp
Classification: Benign. Last evaluated: 2026-01-26. Review status: criteria provided, single submitter. Criteria: Invitae Variant Classification Sherloc (09022015). Collection method: clinical testing. Allele origin: germline.

Blueprint Genetics
Classification: Likely benign. Last evaluated: 2024-11-27. Review status: criteria provided, single submitter. Criteria: ACMG Guidelines, 2015. Collection method: clinical testing. Allele origin: germline.

GeneDx
Classification: Likely benign. Last evaluated: 2017-11-02. Review status: criteria provided, single submitter. Criteria: GeneDx Variant Classification (06012015). Collection method: clinical testing. Allele origin: germline. Affected: yes.
Comment: This variant is considered likely benign or benign based on one or more of the following criteria: it is a conservative change, it occurs at a poorly conserved position in the protein, it is predicted to be benign by multiple in silico algorithms, and/or has population frequency not consistent with disease.

Breakthrough Genomics
Classification: Likely benign. Review status: criteria provided, single submitter. Criteria: ACMG Guidelines, 2015. Collection method: not provided. Allele origin: germline. Inheritance: Autosomal recessive inheritance. Affected: yes.

NM_004046.6(ATP5F1A):c.267T>C (p.Asn89=)

Gene: ATP5F1A (ATP synthase F1 subunit alpha; minus strand). Cytogenetic location: 18q21.1.
Variant type: single nucleotide variant.
Coding change: c.267T>C on transcript NM_004046.6 (MANE Select); coding-DNA position 267, T replaced by C.
Protein change: p.Asn89=; no amino-acid change (asparagine 89 retained).
Molecular consequence: synonymous variant.
Genome position (GRCh38, 1-based): chr18:46,091,724, A>G on the plus strand (T>C on the coding strand, the complement: ATP5F1A is on the minus strand). VCF-style: chr18-46091724-A-G. GRCh37 (hg19) VCF-style: chr18-43671690-A-G.
Other names: c.117T>C, p.Asn39= (NM_001001935.3, NM_001257335.2); c.267T>C, p.Asn89= (NM_001001937.2, NM_001257334.2).
Identifiers: ClinVar variation 386085 (VCV000386085.11), dbSNP rs182134517, ClinGen allele CA8950857.